The following is an entry in ClinVar:

ClinVar aggregate classification (germline): Pathogenic/Likely pathogenic. Review status: criteria provided, multiple submitters, no conflicts (2 of 4 stars). 4 submissions from 4 submitters: Pathogenic (1); Likely pathogenic (3). Last evaluated 2025-09-09.

Conditions:
Niemann-Pick disease, type C (NPC). Identifiers: Orphanet 646, MedGen C0220756, MONDO:0018982.
Niemann-Pick disease, type C1. Also called: NEUROVISCERAL STORAGE DISEASE WITH VERTICAL SUPRANUCLEAR OPHTHALMOPLEGIA; NIEMANN-PICK DISEASE WITH CHOLESTEROL ESTERIFICATION BLOCK; NIEMANN-PICK DISEASE WITHOUT SPHINGOMYELINASE DEFICIENCY; NIEMANN-PICK DISEASE, CHRONIC NEURONOPATHIC FORM; NIEMANN-PICK DISEASE, VARIANT TYPE C1. Identifiers: Orphanet 646, MedGen C3179455, MONDO:0009757, OMIM 257220.

Allele frequency attached by ClinVar (database versions not stated): gnomAD exomes below 0.00001.
gnomAD v4.1: 2 of 1,613,890 alleles (0.00012%); highest among the groups gnomAD compares: Non-Finnish European, 0.00017%; no homozygotes.

Submissions (4):

GeneDx
Classification: Likely pathogenic. Last evaluated: 2025-09-09. Review status: criteria provided, single submitter. Criteria: GeneDx Variant Classification Process June 2021. Collection method: clinical testing. Allele origin: germline. Affected: yes.
Comment: Identified in a patient with clinical features of NPC1-related Niemann-Pick disease, but biochemical features were not reported and it is uncertain whether this individual had a second variant in the NPC1 gene (PMID: 19252935); Canonical splice site variant predicted to result in an in-frame loss of the adjacent exon in a gene for which loss of function is a known mechanism of disease; Not observed at significant frequency in large population cohorts (gnomAD); This variant is associated with the following publications: (PMID: 25525159, 19252935)

Natera, Inc.
Classification: Likely pathogenic for Niemann-Pick disease type C1. Last evaluated: 2024-05-02. Review status: criteria provided, single submitter. Criteria: Natera Variant Classification Schema (03/2026). Collection method: clinical testing. Allele origin: germline.
Comment: The c.464-2A>C variant in NPC1 is a canonical splice acceptor site variant predicted to affect pre-mRNA splicing, which may result in an abnormal transcript and altered protein product. This variant is expected to result in nonsense mediated decay, truncation, or a dysfunctional protein product. This variant is rare in the general population with a frequency below the threshold expected for the associated phenotype(s). Given the available evidence, this variant is classified as Likely Pathogenic.

Labcorp Genetics (formerly Invitae), Labcorp
Classification: Pathogenic for Niemann-Pick disease, type C1. Last evaluated: 2023-08-03. Review status: criteria provided, single submitter. Criteria: Invitae Variant Classification Sherloc (09022015). Collection method: clinical testing. Allele origin: germline.
Comment: Studies have shown that disruption of this splice site alters NPC1 gene expression (PMID: 19252935). Algorithms developed to predict the effect of sequence changes on RNA splicing suggest that this variant may disrupt the consensus splice site. For these reasons, this variant has been classified as Pathogenic. ClinVar contains an entry for this variant (Variation ID: 1339660). This sequence change affects an acceptor splice site in intron 4 of the NPC1 gene. It is expected to disrupt RNA splicing. Variants that disrupt the donor or acceptor splice site typically lead to a loss of protein function (PMID: 16199547), and loss-of-function variants in NPC1 are known to be pathogenic (PMID: 9211850). This variant is not present in population databases (gnomAD no frequency). Disruption of this splice site has been observed in individual(s) with Niemann-Pick Type C (PMID: 19252935).

Women's Health and Genetics/Laboratory Corporation of America, LabCorp
Classification: Likely pathogenic for Niemann-Pick disease, type C. Last evaluated: 2022-01-02. Review status: criteria provided, single submitter. Criteria: LabCorp Variant Classification Summary - May 2015. Collection method: clinical testing. Allele origin: germline.
Comment: Variant summary: NPC1 c.464-2A>C alters a conserved nucleotide located in a canonical splice-site and is predicted to affect mRNA splicing resulting in a significantly altered protein due to either exon skipping, shortening, or inclusion of intronic material. Several computational tools predict a significant impact on normal splicing: Four predict the variant abolishes the canonical 3' splice acceptor site. At least one publication reports indirect experimental evidence that this variant affects mRNA splicing (Fancello_2009). Although the authors reported the analysis with distinct sets of primers overlapping all cDNA regions with appropriate controls amplifications, no RT-PCR products were obtained for this variant and no supporting primary data was provided. A degradation of the patient mRNA resulting in a [r.0]+[r.0?] genotype was speculated by the authors. The variant was absent in 251404 control chromosomes. c.464-2A>C has been reported in the literature along with a non-detected allele in at-least two sibling individuals affected with Niemann-Pick Disease Type C whose cultured fibroblasts were analyzed for an impact on splicing outlined above (example, Fancello_2009). A subsequent study reporting the clinical and molecular features of early infantile Niemann Pick Type C disease reports these individuals as having a homozygous genotype citing the study ascertained above (example, Yilmaz_2020). These data indicate that the variant is likely to be associated with disease. No clinical diagnostic laboratories have submitted clinical-significance assessments for this variant to ClinVar after 2014. Based on the evidence outlined above, the variant was classified as likely pathogenic.

Literature cited by the submitters: PubMed 19252935 (cited by Labcorp Genetics (formerly Invitae), Labcorp and Women's Health and Genetics/Laboratory Corporation of America, LabCorp); PubMed 16199547 (cited by Labcorp Genetics (formerly Invitae), Labcorp); PubMed 9211850 (cited by Labcorp Genetics (formerly Invitae), Labcorp); PubMed 32709131 (cited by Women's Health and Genetics/Laboratory Corporation of America, LabCorp).

NM_000271.5(NPC1):c.464-2A>C

Gene: NPC1 (NPC intracellular cholesterol transporter 1; minus strand). Cytogenetic location: 18q11.2.
Variant type: single nucleotide variant.
Coding change: c.464-2A>C on transcript NM_000271.5 (MANE Select); the canonical splice acceptor site of the intron before coding-DNA position 464, A replaced by C.
Molecular consequence: splice acceptor variant.
Genome position (GRCh38, 1-based): chr18:23,561,529, T>G on the plus strand (A>C on the coding strand, the complement: NPC1 is on the minus strand). VCF-style: chr18-23561529-T-G. GRCh37 (hg19) VCF-style: chr18-21141493-T-G.
Identifiers: ClinVar variation 1339660 (VCV001339660.6), dbSNP rs2145485704, ClinGen allele CA401783122.
Genomic context (GRCh38, chr18:23,561,529, plus strand): 5'-TCCCAGGGCCTTGTCATTACTTGAGGGGGCCTCCACATCCCGGCAGGCATTGTACATTGC[T>G]AGAAGAGGAAACCCAAAGGAAAAAGGAGACAAGATGCTTGCTGTAATTCACGAGGCAAGA-3'